The following is an entry in ClinVar:

NM_005045.4(RELN):c.9524A>C (p.His3175Pro)

Genes: SLC26A5-AS1 (SLC26A5 antisense RNA 1; plus strand), RELN (reelin; minus strand), LOC126860130 (BRD4-independent group 4 enhancer GRCh37_chr7:103130126-103131325; plus strand). Cytogenetic location: 7q22.1.
Variant type: single nucleotide variant.
Coding change: c.9524A>C on transcript NM_005045.4 (MANE Select); coding-DNA position 9524, A replaced by C.
Protein change: p.His3175Pro; replaces histidine 3175 with proline.
Molecular consequence: missense variant.
Genome position (GRCh38, 1-based): chr7:103,490,749, T>G on the plus strand (A>C on the coding strand, the complement: RELN is on the minus strand). VCF-style: chr7-103490749-T-G. GRCh37 (hg19) VCF-style: chr7-103131196-T-G.
Other names: c.9524A>C, p.His3175Pro (NM_173054.3); short protein forms H3175P.
Identifiers: ClinVar variation 358381 (VCV000358381.22), dbSNP rs74513461, ClinGen allele CA4420193.
Genomic context (GRCh38, chr7:103,490,749, plus strand): 5'-AGCTGGATGGTGATTCTTTTCCAGCTTGAGCTGTTGACAGAGTTGTAGATGGTGGCTTCA[T>G]GGAACTGGAAAGGGGAGCAGCCAATGCTGTTAGAAGAGGAAGGAAGGCACTGGGTCTGTA-3'
Protein context (NP_005036.2, residues 3165-3185): NSIGCSPFQF[His3175Pro]EATIYNSVNS

ClinVar aggregate classification (germline): Benign/Likely benign. Review status: criteria provided, multiple submitters, no conflicts (2 of 4 stars). 7 submissions from 7 submitters: Benign (4); Likely benign (1). 2 of the submissions do not count toward it. Last evaluated 2026-01-28.

Conditions:
Norman-Roberts syndrome (LIS2). Also called: Lissencephaly 2 (Norman-Roberts type). Identifiers: Orphanet 89844, MedGen C0796089, MONDO:0009760, OMIM 257320.
Epilepsy, familial temporal lobe, 1. Identifiers: Orphanet 101046, MedGen CN030884, MONDO:0700090, OMIM 600512.
Familial temporal lobe epilepsy 7. Identifiers: Orphanet 101046, MedGen C4225327, MONDO:0014639, OMIM 616436.

Allele frequency attached by ClinVar (database versions not stated): gnomAD exomes 0.00056 and 0.00147; ExAC 0.00192; gnomAD 0.00600 and 0.00648; 1000 Genomes Project 0.00639; TOPMed 0.00655; ESP Exome Variant Server 0.00669; 1000 Genomes Project 30x 0.00734.
gnomAD v4.1: 1,768 of 1,614,152 alleles (0.11%); highest among the groups gnomAD compares: African/African-American, 2.2%; 17 homozygotes.

Submissions (8):

Labcorp Genetics (formerly Invitae), Labcorp
Classification: Benign for Familial temporal lobe epilepsy 7; Norman-Roberts syndrome. Last evaluated: 2026-01-28. Review status: criteria provided, single submitter. Criteria: Invitae Variant Classification Sherloc (09022015). Collection method: clinical testing. Allele origin: germline.

Athena Diagnostics
Classification: Benign. Last evaluated: 2025-03-10. Review status: criteria provided, single submitter. Criteria: Athena Diagnostics Criteria. Collection method: clinical testing. Allele origin: unknown.
Comment: The frequency of this variant in the general population is higher than would generally be expected for pathogenic variants in this gene.

Fulgent Genetics
Classification: Likely benign for Norman-Roberts syndrome; Epilepsy, familial temporal lobe, 1; Familial temporal lobe epilepsy 7. Last evaluated: 2021-11-23. Review status: criteria provided, single submitter. Criteria: ACMG Guidelines, 2015. Collection method: clinical testing. Allele origin: unknown.

Illumina Laboratory Services, Illumina
Classification: Benign for Norman-Roberts syndrome. Last evaluated: 2018-01-13. Review status: criteria provided, single submitter. Criteria: ICSL Variant Classification Criteria 13 December 2019. Collection method: clinical testing. Allele origin: germline.
Comment: This variant was observed in the ICSL laboratory as part of a predisposition screen in an ostensibly healthy population. It had not been previously curated by ICSL or reported in the Human Gene Mutation Database (HGMD: prior to June 1st, 2018), and was therefore a candidate for classification through an automated scoring system. Utilizing variant allele frequency, disease prevalence and penetrance estimates, and inheritance mode, an automated score was calculated to assess if this variant is too frequent to cause the disease. Based on the score and internal cut-off values, a variant classified as benign is not then subjected to further curation. The score for this variant resulted in a classification of benign for this disease.

GeneDx
Classification: Benign. Last evaluated: 2017-10-12. Review status: criteria provided, single submitter. Criteria: GeneDx Variant Classification (06012015). Collection method: clinical testing. Allele origin: germline. Affected: yes.
Comment: This variant is considered likely benign or benign based on one or more of the following criteria: it is a conservative change, it occurs at a poorly conserved position in the protein, it is predicted to be benign by multiple in silico algorithms, and/or has population frequency not consistent with disease.

Clinical Genetics DNA and cytogenetics Diagnostics Lab, Erasmus MC, Erasmus Medical Center
Classification: Benign. Review status: no assertion criteria provided. Collection method: clinical testing. Allele origin: germline. Affected: yes. Study: VKGL Data-share Consensus. Not counted in ClinVar's aggregate classification.

Clinical Genetics, Academic Medical Center
Classification: Benign. Review status: no assertion criteria provided. Collection method: clinical testing. Allele origin: germline. Affected: yes. Study: VKGL Data-share Consensus. Not counted in ClinVar's aggregate classification.

Dr. Peter K. Rogan Lab, Western University
No classification provided (evidence only). Condition: Hepatocellular carcinoma. Review status: no classification provided. Collection method: in vitro. Allele origin: not applicable. Functional consequence: retained intron. Not counted in ClinVar's aggregate classification.